The following is an entry in ClinVar:

NM_004859.4(CLTC):c.4216A>G (p.Arg1406Gly)

Genes: CLTC (clathrin heavy chain; plus strand), LOC126862609 (CDK7 strongly-dependent group 2 enhancer GRCh37_chr17:57760547-57761746; plus strand). Cytogenetic location: 17q23.1.
Variant type: single nucleotide variant.
Coding change: c.4216A>G on transcript NM_004859.4 (MANE Select); coding-DNA position 4216, A replaced by G.
Protein change: p.Arg1406Gly; replaces arginine 1406 with glycine.
Molecular consequence: missense variant.
Genome position (GRCh38, 1-based): chr17:59,683,649, A>G. VCF-style: chr17-59683649-A-G. GRCh37 (hg19) VCF-style: chr17-57761010-A-G.
Other names: c.4228A>G, p.Arg1410Gly (NM_001288653.2); short protein forms R1406G, R1410G.
Identifiers: ClinVar variation 2663749 (VCV002663749.2), dbSNP rs2509155010, ClinGen allele CA400421056.

ClinVar aggregate classification (germline): Uncertain significance (1 of 4 stars; one submission).

Submission:

GeneDx
Classification: Uncertain significance. Last evaluated: 2025-09-23. Review status: criteria provided, single submitter. Criteria: GeneDx Variant Classification Process June 2021. Collection method: clinical testing. Allele origin: germline.
Comment: Not observed at significant frequency in large population cohorts (gnomAD); In silico analysis supports that this missense variant has a deleterious effect on protein structure/function; Has not been previously published as pathogenic or benign to our knowledge